The following is an entry in ClinVar:

NM_001145160.2(TPM4):c.123G>A (p.Glu41=)

Gene: TPM4 (tropomyosin 4; plus strand). Cytogenetic location: 19p13.12.
Variant type: single nucleotide variant.
Coding change: c.123G>A on transcript NM_001145160.2; coding-DNA position 123, G replaced by A.
Protein change: p.Glu41=; no amino-acid change (glutamic acid 41 retained).
Molecular consequence: synonymous variant.
Genome position (GRCh38, 1-based): chr19:16,076,055, G>A. VCF-style: chr19-16076055-G-A. GRCh37 (hg19) VCF-style: chr19-16186865-G-A.
Other names: p.Glu41=; c.75G>A, p.Glu25= (NM_001367836.1).
Identifiers: ClinVar variation 768977 (VCV000768977.7), dbSNP rs114042568, ClinGen allele CA9275309.
Genomic context (GRCh38, chr19:16,076,055, plus strand): 5'-GGGACGTGACCCCCCCCCCAGGCTGACCCGTTCCTCGCTCTGTCGTCCCCAGGTGGAGGA[G>A]GAGCTGACGCACCTCCAGAAGAAACTAAAAGGGACAGAGGACGAGCTGGATAAATATTCC-3'

ClinVar aggregate classification (germline): Benign. Review status: criteria provided, multiple submitters, no conflicts (2 of 4 stars). 3 submissions from 3 submitters: Benign (3). Last evaluated 2023-10-25.

Allele frequency attached by ClinVar (database versions not stated): gnomAD 0.01352 and 0.01445; 1000 Genomes Project 0.01797; TOPMed 0.01618; gnomAD exomes 0.00154 and 0.00333; ExAC 0.00532; ESP Exome Variant Server 0.01400; 1000 Genomes Project 30x 0.01983.
gnomAD v4.1: 4,366 of 1,608,824 alleles (0.27%); highest among the groups gnomAD compares: African/African-American, 4.8%; 82 homozygotes.

Submissions (3):

Mayo Clinic Laboratories, Mayo Clinic
Classification: Benign. Last evaluated: 2023-10-25. Review status: criteria provided, single submitter. Criteria: ACMG Guidelines, 2015. Collection method: clinical testing. Allele origin: germline. Observed: 12 variant alleles.
Comment: BS1, BS2, BP3, BP7

Labcorp Genetics (formerly Invitae), Labcorp
Classification: Benign. Last evaluated: 2019-12-31. Review status: criteria provided, single submitter. Criteria: Invitae Variant Classification Sherloc (09022015). Collection method: clinical testing. Allele origin: germline.

Breakthrough Genomics
Classification: Benign. Review status: criteria provided, single submitter. Criteria: ACMG Guidelines, 2015. Collection method: not provided. Allele origin: germline. Inheritance: Unknown mechanism. Affected: yes.